The following is an entry in ClinVar:

NM_004281.4(BAG3):c.447dup (p.Gln150fs)

Gene: BAG3 (BAG cochaperone 3; plus strand). Cytogenetic location: 10q26.11.
Variant type: Duplication.
Coding change: c.447dup on transcript NM_004281.4 (MANE Select); coding-DNA position 447, one base duplicated (A; older notation c.447dupA).
Protein change: p.Gln150fs; shifts the reading frame from glutamine 150.
Molecular consequence: frameshift variant.
Genome position (GRCh38, 1-based): chr10:119,670,117, A duplicated; the last of 3 consecutive A bases (chr10:119,670,115-119,670,117); duplicating any one gives the same sequence. VCF-style (leftmost placement, unchanged base first): chr10-119670114-T-TA. GRCh37 (hg19) VCF-style: chr10-121429626-T-TA.
Other names: short protein forms Q150fs.
Identifiers: ClinVar variation 1879146 (VCV001879146.29), dbSNP rs2494009723, ClinGen allele CA2580082417.
Genomic context (GRCh38, chr10:119,670,114, plus strand): 5'-AGCGGCTCCTCAGAGGTCCCAGTCACCTCTGCGGGGCATGCCAGAAACCACTCAGCCAGA[T>TA]AAACAGTGTGGACAGGTGGCAGCGGCGGCGGCAGCCCAGCCCCCAGCCTCCCACGGACCT-3'

ClinVar aggregate classification (germline): Pathogenic (1 of 4 stars; one submission).

Submission:

CeGaT Center for Human Genetics Tuebingen
Classification: Pathogenic. Last evaluated: 2024-04-01. Review status: criteria provided, single submitter. Criteria: CeGaT Center For Human Genetics Tuebingen Variant Classification Criteria Version 2. Collection method: clinical testing. Allele origin: germline. Affected: yes. Observed: 4 variant alleles.
Comment: BAG3: PVS1, PM2